The following is an entry in ClinVar:

ClinVar aggregate classification (germline): Benign/Likely benign. Review status: criteria provided, multiple submitters, no conflicts (2 of 4 stars). 11 submissions from 11 submitters: Benign (6); Likely benign (4). 1 of the submissions does not count toward it. Last evaluated 2026-09-01.

Conditions:
Ehlers-Danlos syndrome (EDS). Identifiers: Orphanet 98249, MedGen C0013720, MONDO:0020066.
Congenital contractural arachnodactyly (CCA). Also called: Arthrogryposis, distal, type 9; Beals-Hecht syndrome; BEALS SYNDROME. Identifiers: Orphanet 115, MedGen C0220668, MONDO:0007363, OMIM 121050.
Familial thoracic aortic aneurysm and aortic dissection (TAAD). Also called: Thoracic aortic aneurysms and dissections. Identifiers: Orphanet 91387, MedGen C4707243, MONDO:0019625.

Allele frequency attached by ClinVar (database versions not stated): gnomAD 0.00261; ESP Exome Variant Server 0.00269; TOPMed 0.00311; 1000 Genomes Project 30x 0.00312; 1000 Genomes Project 0.00319.
gnomAD v4.1: 1,006 of 1,613,896 alleles (0.062%); highest among the groups gnomAD compares: African/African-American, 0.91%; 8 homozygotes.

Submissions (11):

CeGaT Center for Human Genetics Tuebingen
Classification: Likely benign. Last evaluated: 2026-09-01. Review status: criteria provided, single submitter. Criteria: CeGaT Center For Human Genetics Tuebingen Variant Classification Criteria Version 2. Collection method: clinical testing. Allele origin: germline. Affected: yes. Observed: 3 variant alleles.
Comment: FBN2: BP4, BP7

Labcorp Genetics (formerly Invitae), Labcorp
Classification: Benign for Congenital contractural arachnodactyly. Last evaluated: 2026-02-02. Review status: criteria provided, single submitter. Criteria: Invitae Variant Classification Sherloc (09022015). Collection method: clinical testing. Allele origin: germline.

Blueprint Genetics
Classification: Likely benign. Last evaluated: 2024-11-13. Review status: criteria provided, single submitter. Criteria: ACMG Guidelines, 2015. Collection method: clinical testing. Allele origin: germline.

Women's Health and Genetics/Laboratory Corporation of America, LabCorp
Classification: Benign. Last evaluated: 2023-08-10. Review status: criteria provided, single submitter. Criteria: LabCorp Variant Classification Summary - May 2015. Collection method: clinical testing. Allele origin: germline.

ARUP Laboratories, Molecular Genetics and Genomics, ARUP Laboratories
Classification: Benign. Last evaluated: 2022-02-24. Review status: criteria provided, single submitter. Criteria: ARUP Molecular Germline Variant Investigation Process 2021. Collection method: clinical testing. Allele origin: germline.

Genome Diagnostics Laboratory, The Hospital for Sick Children
Classification: Likely benign for Ehlers-Danlos syndrome. Last evaluated: 2020-04-01. Review status: criteria provided, single submitter. Criteria: ACMG Guidelines, 2015. Collection method: clinical testing. Allele origin: germline.

Illumina Laboratory Services, Illumina
Classification: Benign for Congenital contractural arachnodactyly. Last evaluated: 2018-01-13. Review status: criteria provided, single submitter. Criteria: ICSL Variant Classification Criteria 13 December 2019. Collection method: clinical testing. Allele origin: germline.
Comment: This variant was observed in the ICSL laboratory as part of a predisposition screen in an ostensibly healthy population. It had not been previously curated by ICSL or reported in the Human Gene Mutation Database (HGMD: prior to June 1st, 2018), and was therefore a candidate for classification through an automated scoring system. Utilizing variant allele frequency, disease prevalence and penetrance estimates, and inheritance mode, an automated score was calculated to assess if this variant is too frequent to cause the disease. Based on the score and internal cut-off values, a variant classified as benign is not then subjected to further curation. The score for this variant resulted in a classification of benign for this disease.

Ambry Genetics
Classification: Benign for Familial thoracic aortic aneurysm and aortic dissection. Last evaluated: 2016-03-17. Review status: criteria provided, single submitter. Criteria: Ambry Variant Classification Scheme 2023. Collection method: clinical testing. Allele origin: germline.

Eurofins Ntd Llc (ga)
Classification: Likely benign. Last evaluated: 2015-03-24. Review status: criteria provided, single submitter. Criteria: EGL Classification Definitions 2015. Collection method: clinical testing. Allele origin: germline. Observed: 1 variant allele, 1 heterozygote.

GeneDx
Classification: Benign. Last evaluated: 2015-02-06. Review status: criteria provided, single submitter. Criteria: GeneDx Variant Classification (06012015). Collection method: clinical testing. Allele origin: germline. Affected: yes.
Comment: This variant is considered likely benign or benign based on one or more of the following criteria: it is a conservative change, it occurs at a poorly conserved position in the protein, it is predicted to be benign by multiple in silico algorithms, and/or has population frequency not consistent with disease.

Genetic Services Laboratory, University of Chicago
Classification: Likely benign for AllHighlyPenetrant. Review status: no assertion criteria provided. Collection method: clinical testing. Allele origin: germline. Inheritance: Autosomal dominant inheritance. Not counted in ClinVar's aggregate classification.
Comment: Likely benign based on allele frequency in 1000 Genomes Project or ESP global frequency and its presence in a patient with a rare or unrelated disease phenotype. NOT Sanger confirmed.

NM_001999.4(FBN2):c.4206C>T (p.Asn1402=)

Gene: FBN2 (fibrillin 2; minus strand). Cytogenetic location: 5q23.3.
Variant type: single nucleotide variant.
Coding change: c.4206C>T on transcript NM_001999.4 (MANE Select); coding-DNA position 4206, C replaced by T.
Protein change: p.Asn1402=; no amino-acid change (asparagine 1402 retained).
Molecular consequence: synonymous variant.
Genome position (GRCh38, 1-based): chr5:128,332,928, G>A on the plus strand (C>T on the coding strand, the complement: FBN2 is on the minus strand). VCF-style: chr5-128332928-G-A. GRCh37 (hg19) VCF-style: chr5-127668620-G-A.
Identifiers: ClinVar variation 129042 (VCV000129042.47), dbSNP rs34201226, ClinGen allele CA288824.